The following is an entry in ClinVar:

NM_000165.5(GJA1):c.655G>C (p.Val219Leu)

Gene: GJA1 (gap junction protein alpha 1; plus strand). Cytogenetic location: 6q22.31.
Variant type: single nucleotide variant.
Coding change: c.655G>C on transcript NM_000165.5 (MANE Select); coding-DNA position 655, G replaced by C.
Protein change: p.Val219Leu; replaces valine 219 with leucine.
Molecular consequence: missense variant.
Genome position (GRCh38, 1-based): chr6:121,447,502, G>C. VCF-style: chr6-121447502-G-C. GRCh37 (hg19) VCF-style: chr6-121768648-G-C.
Other names: short protein forms V219L.
Identifiers: ClinVar variation 2702265 (VCV002702265.3), dbSNP rs2536822290, ClinGen allele CA365559498.
Genomic context (GRCh38, chr6:121,447,502, plus strand): 5'-TTCCTCTCTCGCCCCACGGAGAAAACCATCTTCATCATCTTCATGCTGGTGGTGTCCTTG[G>C]TGTCCCTGGCCTTGAATATCATTGAACTCTTCTATGTTTTCTTCAAGGGCGTTAAGGATC-3'
Protein context (NP_000156.1, residues 209-229): FIIFMLVVSL[Val219Leu]SLALNIIELF

ClinVar aggregate classification (germline): Uncertain significance (1 of 4 stars; one submission).

Conditions:
Oculodentodigital dysplasia, autosomal recessive. Also called: OCULODENTOOSSEOUS DYSPLASIA, AUTOSOMAL RECESSIVE; ODDD, AUTOSOMAL RECESSIVE; ODOD, AUTOSOMAL RECESSIVE. Identifiers: Orphanet 2710, MedGen C2749477, MONDO:0009768, OMIM 257850.

Submission:

Labcorp Genetics (formerly Invitae), Labcorp
Classification: Uncertain significance for Oculodentodigital dysplasia, autosomal recessive. Last evaluated: 2023-12-11. Review status: criteria provided, single submitter. Criteria: Invitae Variant Classification Sherloc (09022015). Collection method: clinical testing. Allele origin: germline.
Comment: This sequence change replaces valine, which is neutral and non-polar, with leucine, which is neutral and non-polar, at codon 219 of the GJA1 protein (p.Val219Leu). This variant is not present in population databases (gnomAD no frequency). This variant has not been reported in the literature in individuals affected with GJA1-related conditions. Advanced modeling of protein sequence and biophysical properties (such as structural, functional, and spatial information, amino acid conservation, physicochemical variation, residue mobility, and thermodynamic stability) performed at Invitae indicates that this missense variant is not expected to disrupt GJA1 protein function with a negative predictive value of 80%. In summary, the available evidence is currently insufficient to determine the role of this variant in disease. Therefore, it has been classified as a Variant of Uncertain Significance.